The following is an entry in ClinVar:

ClinVar aggregate classification (germline): Likely benign (0 of 4 stars; one submission).

Conditions:
PLXNA2-related disorder. Also called: PLXNA2-related condition.

gnomAD v4.1: 1 of 1,608,798 alleles (0.000062%); highest among the groups gnomAD compares: African/African-American, 0.0013%; no homozygotes.

Submission:

PreventionGenetics, part of Exact Sciences
Classification: Likely benign for PLXNA2-related condition. Last evaluated: 2024-01-24. Review status: no assertion criteria provided. Collection method: clinical testing. Allele origin: germline.
Comment: This variant is classified as likely benign based on ACMG/AMP sequence variant interpretation guidelines (Richards et al. 2015 PMID: 25741868, with internal and published modifications).

NM_025179.4(PLXNA2):c.2997G>A (p.Arg999=)

Gene: PLXNA2 (plexin A2; minus strand). Cytogenetic location: 1q32.2.
Variant type: single nucleotide variant.
Coding change: c.2997G>A on transcript NM_025179.4 (MANE Select); coding-DNA position 2997, G replaced by A.
Protein change: p.Arg999=; no amino-acid change (arginine 999 retained).
Molecular consequence: synonymous variant.
Genome position (GRCh38, 1-based): chr1:208,051,420, C>T on the plus strand (G>A on the coding strand, the complement: PLXNA2 is on the minus strand). VCF-style: chr1-208051420-C-T. GRCh37 (hg19) VCF-style: chr1-208224765-C-T.
Identifiers: ClinVar variation 3354843 (VCV003354843.1).